The following is an entry in ClinVar:

NM_000088.4(COL1A1):c.1674C>T (p.Pro558=)

Gene: COL1A1 (collagen type I alpha 1 chain; minus strand). Cytogenetic location: 17q21.33.
Variant type: single nucleotide variant.
Coding change: c.1674C>T on transcript NM_000088.4 (MANE Select); coding-DNA position 1674, C replaced by T.
Protein change: p.Pro558=; no amino-acid change (proline 558 retained).
Molecular consequence: synonymous variant.
Genome position (GRCh38, 1-based): chr17:50,194,036, G>A on the plus strand (C>T on the coding strand, the complement: COL1A1 is on the minus strand). VCF-style: chr17-50194036-G-A. GRCh37 (hg19) VCF-style: chr17-48271397-G-A.
Identifiers: ClinVar variation 1254370 (VCV001254370.15), dbSNP rs578167693, ClinGen allele CA8645140.

ClinVar aggregate classification (germline): Benign/Likely benign. Review status: criteria provided, multiple submitters, no conflicts (2 of 4 stars). 5 submissions from 5 submitters: Benign (1); Likely benign (4). Last evaluated 2026-03-03.

Conditions:
Cardiovascular phenotype. Identifiers: MedGen CN230736.
COL1A1-related disorder. Also called: COL1A1- related disease; COL1A1-related condition.
Osteogenesis imperfecta type I (OI1). Also called: Classic Non-deforming Osteogenesis Imperfecta with Blue Sclerae; OI, TYPE I; OSTEOGENESIS IMPERFECTA TARDA; OSTEOGENESIS IMPERFECTA WITH BLUE SCLERAE; Osteogenesis imperfecta type 1; Lobstein's Disease. Identifiers: Orphanet 216796, Orphanet 666, MedGen C0023931, MONDO:0008146, OMIM 166200. Disease mechanism: loss of function.

Allele frequency attached by ClinVar (database versions not stated): gnomAD exomes 0.00003 and 0.00004; gnomAD 0.00005 and 0.00006; 1000 Genomes Project 30x 0.00016; ExAC 0.00003; TOPMed 0.00007; 1000 Genomes Project 0.00020.
gnomAD v4.1: 48 of 1,613,832 alleles (0.003%); highest among the groups gnomAD compares: African/African-American, 0.033%; no homozygotes.

Submissions (5):

PreventionGenetics, part of Exact Sciences
Classification: Likely benign for COL1A1-related condition. Last evaluated: 2026-03-03. Review status: criteria provided, single submitter. Criteria: ACMG Guidelines, 2015. Collection method: clinical testing. Allele origin: germline.
Comment: This variant is classified as likely benign based on ACMG/AMP sequence variant interpretation guidelines (Richards et al. 2015 PMID: 25741868, with internal and published modifications).

Labcorp Genetics (formerly Invitae), Labcorp
Classification: Likely benign for Osteogenesis imperfecta type I. Last evaluated: 2025-03-31. Review status: criteria provided, single submitter. Criteria: Invitae Variant Classification Sherloc (09022015). Collection method: clinical testing. Allele origin: germline.

Women's Health and Genetics/Laboratory Corporation of America, LabCorp
Classification: Benign. Last evaluated: 2024-12-06. Review status: criteria provided, single submitter. Criteria: LabCorp Variant Classification Summary - May 2015. Collection method: clinical testing. Allele origin: germline.

GeneDx
Classification: Likely benign. Last evaluated: 2021-02-19. Review status: criteria provided, single submitter. Criteria: GeneDx Variant Classification Process June 2021. Collection method: clinical testing. Allele origin: germline. Affected: yes.

Ambry Genetics
Classification: Likely benign for Cardiovascular phenotype. Last evaluated: 2019-06-10. Review status: criteria provided, single submitter. Criteria: Ambry Variant Classification Scheme 2023. Collection method: clinical testing. Allele origin: germline.